The following is an entry in ClinVar:

ClinVar aggregate classification (germline): Conflicting classifications of pathogenicity. Review status: criteria provided, conflicting classifications (1 of 4 stars). 10 submissions from 10 submitters: Pathogenic (2); Likely pathogenic (3); Uncertain significance (1); Likely benign (1). 3 of the submissions do not count toward it. Last evaluated 2026-01-03.

Conditions:
Al-Raqad syndrome. Identifiers: MedGen C4085595, MONDO:0014648, OMIM 616459.

Allele frequency attached by ClinVar (database versions not stated): ESP Exome Variant Server 0.00008; gnomAD exomes 0.00120; 1000 Genomes Project 30x 0.00172; TOPMed 0.00004; gnomAD 0.00006; 1000 Genomes Project 0.00200.
gnomAD v4.1: 889 of 1,613,974 alleles (0.055%); highest among the groups gnomAD compares: South Asian, 0.87%; 7 homozygotes.

Submissions (10):

Centre for Medical Genetics,  Mumbai
Classification: Likely benign for Al-Raqad syndrome. Last evaluated: 2026-01-03. Review status: criteria provided, single submitter. Criteria: ACMG Guidelines, 2015. Collection method: provider interpretation. Allele origin: germline. Inheritance: Autosomal recessive inheritance. Affected: no. Observed: 2 homozygotes. Clinical features observed: Breast carcinoma (HP:0003002).
Comment: This variant is classified as Pathogenic/ Uncertain significance in Clinvar (Accession: VCV000372235.13). However, the variant is present in homozygous state in 7 individuals in gnomAD database. This variant therefore satisfies BS2 criteria.

Dasa
Classification: Likely pathogenic for Al-Raqad syndrome. Last evaluated: 2025-01-13. Review status: criteria provided, single submitter. Criteria: DASA Assertion Criteria. Collection method: clinical testing. Allele origin: germline.
Comment: NM_014026.6(DCPS):c.947C>T (p.Thr316Met) is a missense variant that results in the substitution of threonine with methionine. Segregation data support an association with disease in the reported family/families (PMID: 25701870). This variant has been reported in individuals with DCPS-related disorders (PMID: 25701870). Functional evidence supports an impact on the gene or gene product. Also, this variant is rare in population databases. Based on the currently available evidence, this variant is classified as likely pathogenic.

First Genomix Gene Laboratory, Genetic Diagnostics Department
Classification: Likely pathogenic for Al-Raqad syndrome. Last evaluated: 2025-01-03. Review status: criteria provided, single submitter. Criteria: ACMG Guidelines, 2015. Collection method: clinical testing. Allele origin: germline. Inheritance: Autosomal recessive inheritance. Affected: no. Observed: 1 variant allele.

Neuberg Centre For Genomic Medicine, NCGM
Classification: Likely pathogenic for Al-Raqad syndrome. Last evaluated: 2023-06-22. Review status: criteria provided, single submitter. Criteria: ACMG Guidelines, 2015. Collection method: clinical testing. Allele origin: germline. Inheritance: Autosomal recessive inheritance. Affected: yes.
Comment: The missense c.947C>T (p.Thr316Met) variant in DCPS gene has been reported in compound heterozygous state in individual(s) affected with DCPS relared disorders (Ahmed et. al., 2015). This variant is found to be segregating in disease related individuals. The p.Thr316Met is present with allele frequency of 0.1% in gnomAD exomes database. This variant has been reported to the ClinVar database as Pathogenic / Likely Pathogenic. Multiple lines of computational evidence (Polyphen - probably damaging, SIFT - damaging and MutationTaster - disease causing) predict a damaging effect on protein structure and function for this variant. The reference amino acid at this position on DICS gene is predicted as conserved by GERP++ and PhyloP across 100 vertebrates. The amino acid Thr at position 316 is changed to a Met changing protein sequence and it might alter its composition and physico-chemical properties. For these reasons, this variant has been classified as Likely Pathogenic. In the absence of another reportable variant in DCPS gene, the molecular diagnosis is not confirmed.

Department of Pathology and Laboratory Medicine, Sinai Health System
Classification: Uncertain significance for Al-Raqad syndrome. Last evaluated: 2023-03-13. Review status: criteria provided, single submitter. Criteria: ACMG Guidelines, 2015. Collection method: research. Allele origin: germline.

Mendelics
Classification: Pathogenic for Al-Raqad syndrome. Last evaluated: 2022-05-04. Review status: criteria provided, single submitter. Criteria: Mendelics Assertion Criteria 2019. Collection method: clinical testing. Allele origin: germline.

Genetics and Genomic Medicine Centre, NeuroGen Healthcare, NeuroGen Healthcare
Classification: Pathogenic for Al-Raqad syndrome. Last evaluated: 2020-12-19. Review status: criteria provided, single submitter. Criteria: Submitter's publication. Collection method: clinical testing. Allele origin: unknown. Affected: no.

Reproductive Health Research and Development, BGI Genomics
Classification: Likely pathogenic for AL-RAQAD SYNDROME. Last evaluated: 2020-01-06. Review status: no assertion criteria provided. Collection method: curation. Allele origin: germline. Not counted in ClinVar's aggregate classification.
Comment: NM_014026.3:c.947C>T in the DCPS gene has an allele frequency of 0.01 in South Asian subpopulation in the gnomAD database. The p.Thr316Met (NM_014026.3:c.947C>T) variant has been observed in three affected individuals from a large family, in trans with a splice site variant (c.636+1G>A) and were reported to segregate with intellectual disability. In vitro decapping assays showed an ablation of decapping function for both variants in DCPS (PMID: 25701870). Taken together, we interprete this variant as Pathogenic/Likely pathogenic. ACMG/AMP Criteria applied: PS3; PM3; PP1.

OMIM
Classification: Pathogenic for AL-RAQAD SYNDROME. Last evaluated: 2019-07-29. Review status: no assertion criteria provided. Collection method: literature only. Allele origin: germline. Not counted in ClinVar's aggregate classification.

Genomic Medicine Center of Excellence, King Faisal Specialist Hospital and Research Centre
Classification: Uncertain significance for Al-Raqad syndrome. Last evaluated: 2024-04-04. Review status: flagged submission. Criteria: ACMG Guidelines, 2015. Collection method: clinical testing. Allele origin: germline. Not counted in ClinVar's aggregate classification.
ClinVar note: Reason: Outlier claim with insufficient supporting evidence

Literature cited by the submitters: PubMed 25701870 (cited by 3 submitters).

NM_014026.6(DCPS):c.947C>T (p.Thr316Met)

Genes: DCPS (decapping enzyme, scavenger; plus strand), GSEC (G-quadruplex forming sequence containing lncRNA; minus strand). Cytogenetic location: 11q24.2.
Variant type: single nucleotide variant.
Coding change: c.947C>T on transcript NM_014026.6 (MANE Select); coding-DNA position 947, C replaced by T.
Protein change: p.Thr316Met; replaces threonine 316 with methionine.
Molecular consequence: missense variant.
Genome position (GRCh38, 1-based): chr11:126,345,546, C>T. VCF-style: chr11-126345546-C-T. GRCh37 (hg19) VCF-style: chr11-126215441-C-T.
Other names: DCPS, THR316MET (rs137941190); c.968C>T, p.Thr323Met (NM_001350236.2); short protein forms T316M, T323M.
Identifiers: ClinVar variation 372235 (VCV000372235.17), dbSNP rs137941190, ClinGen allele CA6355201.